The following is an entry in ClinVar:

NM_006015.6(ARID1A):c.5639A>G (p.Lys1880Arg)

Gene: ARID1A (AT-rich interaction domain 1A; plus strand). Cytogenetic location: 1p36.11.
Variant type: single nucleotide variant.
Coding change: c.5639A>G on transcript NM_006015.6 (MANE Select); coding-DNA position 5639, A replaced by G.
Protein change: p.Lys1880Arg; replaces lysine 1880 with arginine.
Molecular consequence: missense variant.
Genome position (GRCh38, 1-based): chr1:26,779,537, A>G. VCF-style: chr1-26779537-A-G. GRCh37 (hg19) VCF-style: chr1-27106028-A-G.
Other names: c.4988A>G, p.Lys1663Arg (NM_139135.4); short protein forms K1663R, K1880R.
Identifiers: ClinVar variation 2631269 (VCV002631269.1), dbSNP rs2124141264, ClinGen allele CA339186159.

ClinVar aggregate classification (germline): Uncertain significance (1 of 4 stars; one submission).

Conditions:
ARID1A-related disorder. Also called: ARID1A-related condition.

Submission:

PreventionGenetics, part of Exact Sciences
Classification: Uncertain significance for ARID1A-related condition. Last evaluated: 2023-07-19. Review status: criteria provided, single submitter. Criteria: ACMG Guidelines, 2015. Collection method: clinical testing. Allele origin: germline.
Comment: The ARID1A c.5639A>G variant is predicted to result in the amino acid substitution p.Lys1880Arg. To our knowledge, this variant has not been reported in the literature or in a large population database, indicating this variant is rare. At this time, the clinical significance of this variant is uncertain due to the absence of conclusive functional and genetic evidence.